The following is an entry in ClinVar:

NM_000540.3(RYR1):c.1609G>A (p.Ala537Thr)

Gene: RYR1 (ryanodine receptor 1; plus strand). Cytogenetic location: 19q13.2.
Variant type: single nucleotide variant.
Coding change: c.1609G>A on transcript NM_000540.3 (MANE Select); coding-DNA position 1609, G replaced by A.
Protein change: p.Ala537Thr; replaces alanine 537 with threonine.
Molecular consequence: missense variant.
Genome position (GRCh38, 1-based): chr19:38,455,483, G>A. VCF-style: chr19-38455483-G-A. GRCh37 (hg19) VCF-style: chr19-38946123-G-A.
Other names: c.1609G>A, p.Ala537Thr (NM_001042723.2); short protein forms A537T.
Identifiers: ClinVar variation 835688 (VCV000835688.32), dbSNP rs774229699, ClinGen allele CA062190.
Genomic context (GRCh38, chr19:38,455,483, plus strand): 5'-TTGGATCTGACACCTCTTCCCCCCTCAGCTTCTCTAATCCGTGGCAATCGTAGCAACTGT[G>A]CCCTCTTCTCCACAAACTTGGACTGGCTGGTCAGCAAGCTGGATCGGCTGGAGGCCTCGT-3'
Protein context (NP_000531.2, residues 527-547): SLIRGNRSNC[Ala537Thr]LFSTNLDWLV

ClinVar aggregate classification (germline): Uncertain significance. Review status: criteria provided, multiple submitters, no conflicts (2 of 4 stars). 4 submissions from 4 submitters: Uncertain significance (4). Last evaluated 2026-09-01.

Conditions:
RYR1-related disorder. Also called: RYR1-related disorders; RYR1-related condition. Identifiers: MedGen CN239331.
RYR1-related myopathy. Identifiers: Orphanet 98742, MedGen CN305348, MONDO:0100150.
Central core myopathy (CMYO1A). Also called: CONGENITAL MYOPATHY 1A, AUTOSOMAL DOMINANT, WITH SUSCEPTIBILITY TO MALIGNANT HYPERTHERMIA; Central core disease; Myopathy, central fibrillar. Identifiers: Orphanet 597, MedGen C5830701, MONDO:0007294, OMIM 117000.

Allele frequency attached by ClinVar (database versions not stated): gnomAD exomes below 0.00001; ExAC 0.00001.
gnomAD v4.1: 6 of 1,614,140 alleles (0.00037%); highest among the groups gnomAD compares: Non-Finnish European, 0.00051%; no homozygotes.

Submissions (4):

CeGaT Center for Human Genetics Tuebingen
Classification: Uncertain significance. Last evaluated: 2026-09-01. Review status: criteria provided, single submitter. Criteria: CeGaT Center For Human Genetics Tuebingen Variant Classification Criteria Version 2. Collection method: clinical testing. Allele origin: germline. Affected: yes. Observed: 3 variant alleles.
Comment: RYR1: PM2, PM3

Labcorp Genetics (formerly Invitae), Labcorp
Classification: Uncertain significance for RYR1-related disorder. Last evaluated: 2024-05-14. Review status: criteria provided, single submitter. Criteria: Invitae Variant Classification Sherloc (09022015). Collection method: clinical testing. Allele origin: germline.
Comment: This sequence change replaces alanine, which is neutral and non-polar, with threonine, which is neutral and polar, at codon 537 of the RYR1 protein (p.Ala537Thr). This variant is present in population databases (rs774229699, gnomAD 0.0009%). This missense change has been observed in individual(s) with autosomal recessive myopathy (PMID: 21911697). ClinVar contains an entry for this variant (Variation ID: 835688). Advanced modeling of protein sequence and biophysical properties (such as structural, functional, and spatial information, amino acid conservation, physicochemical variation, residue mobility, and thermodynamic stability) has been performed at Invitae for this missense variant, however the output from this modeling did not meet the statistical confidence thresholds required to predict the impact of this variant on RYR1 protein function. In summary, the available evidence is currently insufficient to determine the role of this variant in disease. Therefore, it has been classified as a Variant of Uncertain Significance.

Molecular Genetics, Royal Melbourne Hospital
Classification: Uncertain significance for RYR1-related myopathy. Last evaluated: 2023-11-05. Review status: criteria provided, single submitter. Criteria: ACMG Guidelines, 2015. Collection method: clinical testing. Allele origin: germline. Inheritance: Autosomal dominant inheritance.
Comment: This sequence change in RYR1 is predicted to replace alanine with threonine at codon 537, p.(Ala537Thr). The alanine residue is highly conserved (100 vertebrates, UCSC), and is located in exon 15 in the N terminal region, amino acids 1-552, which is defined as a mutational hotspot. There is a small physicochemical difference between alanine and threonine. This variant is present in a single European (non-Finnish) individual from the population database gnomAD v2.1 (1/113,768 alleles). This variant has been reported with a second pathogenic variant in at least one individual with a phenotype consistent with RYR1-related myopathy (PMID: 21911697). Computational evidence predicts a deleterious effect for the missense substitution (REVEL = 0.845). Based on the classification scheme RMH Modified ACMG/AMP Guidelines v1.6.1, this variant is classified as a VARIANT OF UNCERTAIN SIGNIFICANCE. Following criteria are met: PM1, PP3.

Victorian Clinical Genetics Services, Murdoch Childrens Research Institute
Classification: Uncertain significance for Central core myopathy. Last evaluated: 2021-05-06. Review status: criteria provided, single submitter. Criteria: ACMG Guidelines, 2015. Collection method: clinical testing. Allele origin: germline. Affected: yes.
Comment: Based on the classification scheme VCGS_Germline_v1.3.3, this variant is classified as VUS-3B. Following criteria are met: 0103 - Loss of function and gain of function are known mechanisms of disease in this gene and are associated with RYR1-related myopathy. Central core disease and minicore myopathy are associated with loss of function, while a gain of function mechanism has been described in the context of malignant hyperthermia susceptibility (PMID: 27855725). (I) 0108 - This gene is associated with both recessive and dominant disease. Autosomal dominant inheritance is associated with central core disease or susceptibility to malignant hyperthermia. Other phenotypes including minicore myopathy are associated with autosomal recessive inheritance (PMID: 23919265). (I) 0200 - Variant is predicted to result in a missense amino acid change from alanine to threonine. (I) 0251 - This variant is heterozygous. (I) 0302 - Variant is present in gnomAD (v2) <0.001 for a dominant condition (1 heterozygote). (SP) 0502 - Missense variant with conflicting in silico predictions and uninformative conservation. (I) 0600 - Variant is located in the annotated RyR and IP3R Homology domain (Pfam). (I) 0705 - No comparable missense variants have previous evidence for pathogenicity. (I) 0803 - This variant has limited previous evidence of pathogenicity in an unrelated individuals. This variant has been reported in one individual with moderate severity recessive myopathy in a compound heterozygous state with another missense variant (PMID: 21911697). It has also been reported as a VUS (ClinVar). (SP) 0905 - No published segregation evidence has been identified for this variant. (I) 1007 - No published functional evidence has been identified for this variant. (I) Legend: (SP) - Supporting pathogenic, (I) - Information, (SB) - Supporting benign

Literature cited by the submitters: PubMed 21911697 (cited by 3 submitters); PubMed 23919265 (cited by Victorian Clinical Genetics Services, Murdoch Childrens Research Institute); PubMed 27855725 (cited by Victorian Clinical Genetics Services, Murdoch Childrens Research Institute).